The following is an entry in ClinVar:

ClinVar aggregate classification (germline): Uncertain significance (1 of 4 stars; one submission).

Submission:

Labcorp Genetics (formerly Invitae), Labcorp
Classification: Uncertain significance. Last evaluated: 2022-07-06. Review status: criteria provided, single submitter. Criteria: Invitae Variant Classification Sherloc (09022015). Collection method: clinical testing. Allele origin: germline.
Comment: In summary, the available evidence is currently insufficient to determine the role of this variant in disease. Therefore, it has been classified as a Variant of Uncertain Significance. Variants that disrupt the consensus splice site are a relatively common cause of aberrant splicing (PMID: 17576681, 9536098). Algorithms developed to predict the effect of sequence changes on RNA splicing suggest that this variant may create or strengthen a splice site. This variant has not been reported in the literature in individuals affected with MYO7A-related conditions. This variant is not present in population databases (gnomAD no frequency). This sequence change falls in intron 35 of the MYO7A gene. It does not directly change the encoded amino acid sequence of the MYO7A protein. It affects a nucleotide within the consensus splice site.

Literature cited by the submitters: PubMed 17576681; PubMed 9536098.

NM_000260.4(MYO7A):c.4852+6T>C

Gene: MYO7A (myosin VIIA; plus strand). Cytogenetic location: 11q13.5.
Variant type: single nucleotide variant.
Coding change: c.4852+6T>C on transcript NM_000260.4 (MANE Select); 6 bases into the intron after coding-DNA position 4852, T replaced by C.
Molecular consequence: intron variant.
Genome position (GRCh38, 1-based): chr11:77,199,824, T>C. VCF-style: chr11-77199824-T-C. GRCh37 (hg19) VCF-style: chr11-76910869-T-C.
Other names: c.4705+6T>C (NM_001369365.1); c.4738+6T>C (NM_001127180.2).
Identifiers: ClinVar variation 1045950 (VCV001045950.10), dbSNP rs1956938821, ClinGen allele CA1984122996.